The following is an entry in ClinVar:

NM_024490.4(ATP10A):c.2550C>T (p.Arg850=)

Gene: ATP10A (ATPase phospholipid transporting 10A (putative); minus strand). Cytogenetic location: 15q12.
Variant type: single nucleotide variant.
Coding change: c.2550C>T on transcript NM_024490.4 (MANE Select); coding-DNA position 2550, C replaced by T.
Protein change: p.Arg850=; no amino-acid change (arginine 850 retained).
Molecular consequence: synonymous variant.
Genome position (GRCh38, 1-based): chr15:25,708,001, G>A on the plus strand (C>T on the coding strand, the complement: ATP10A is on the minus strand). VCF-style: chr15-25708001-G-A. GRCh37 (hg19) VCF-style: chr15-25953148-G-A.
Identifiers: ClinVar variation 3037237 (VCV003037237.2), dbSNP rs147632954, ClinGen allele CA7436445.

ClinVar aggregate classification (germline): Likely benign (0 of 4 stars; one submission).

Conditions:
ATP10A-related disorder. Also called: ATP10A-related condition.

Allele frequency attached by ClinVar (database versions not stated): gnomAD exomes 0.00026; ExAC 0.00031; ESP Exome Variant Server 0.00031; gnomAD 0.00037; TOPMed 0.00051; 1000 Genomes Project 0.00060; 1000 Genomes Project 30x 0.00062.
gnomAD v4.1: 465 of 1,614,148 alleles (0.029%); highest among the groups gnomAD compares: Middle Eastern, 0.18%; no homozygotes.

Submission:

PreventionGenetics, part of Exact Sciences
Classification: Likely benign for ATP10A-related condition. Last evaluated: 2019-05-06. Review status: no assertion criteria provided. Collection method: clinical testing. Allele origin: germline.
Comment: This variant is classified as likely benign based on ACMG/AMP sequence variant interpretation guidelines (Richards et al. 2015 PMID: 25741868, with internal and published modifications).